The following is an entry in ClinVar:

ClinVar aggregate classification (germline): Uncertain significance. Review status: reviewed by expert panel (3 of 4 stars). 10 submissions from 10 submitters: Uncertain significance (1). 9 of the submissions do not count toward it. Last evaluated 2024-06-06.

Conditions:
Glycogen storage disease, type II (IOPD). Also called: Glucosidase acid-1,4-alpha deficiency; CARDIOMEGALIA GLYCOGENICA DIFFUSA; GLYCOGENOSIS, GENERALIZED, CARDIAC FORM; GSD II; Pompe Disease; POMPE DISEASE, INFANTILE-ONSET. Identifiers: Orphanet 365, MedGen C0017921, MONDO:0009290, OMIM 232300.

Allele frequency attached by ClinVar (database versions not stated): ExAC 0.00005; gnomAD exomes 0.00006 and 0.00010; gnomAD 0.00007 and 0.00009; TOPMed 0.00011.
gnomAD v4.1: 159 of 1,613,596 alleles (0.0099%); highest among the groups gnomAD compares: Middle Eastern, 0.049%; no homozygotes.

Submissions (10):

ClinGen Lysosomal Storage Disorder Variant Curation Expert Panel
Classification: Uncertain significance for Glycogen storage disease, type II. Last evaluated: 2024-06-06. Review status: reviewed by expert panel. Criteria: clingen_lsd_acmg_specifications_v2-1. Collection method: curation. Allele origin: germline. Inheritance: Autosomal recessive inheritance.
Comment: The NM_000152.5:c.1630G>A variant in GAA is a missense variant predicted to cause substitution of valine by methionine at amino acid 544 (p.Val544Met). This variant has not been reported in the literature in patients with Pompe disease. The highest population minor allele frequency in gnomAD v2.1.1 is 0.00028 (7/ 24886 alleles) in the African population, which is lower than the ClinGen LSD VCEP’s threshold for PM2_Supporting (<0.001), meeting this criterion. The computational predictor REVEL gives a score of 0.340 which is below the threshold of 0.5, evidence that does not predict a damaging effect on GAA function (BP4). There is a ClinVar entry for this variant (Variation ID: 664232; 2 star review status) with two submitters classifying the variant as a variant of uncertain significance. In summary, this variant meets the criteria to be classified as a variant of uncertain significance for Pompe disease based on the ACMG/AMP criteria applied, as specified by the ClinGen Lysosomal Diseases Variant Curation Expert panel (Specifications Version 2.0): PM3_supporting, BP4. (Classification approved by the ClinGen Lysosomal Diseases Variant Curation Expert Panel on June 6, 2024)

Labcorp Genetics (formerly Invitae), Labcorp
Classification: Uncertain significance for Glycogen storage disease, type II. Last evaluated: 2025-01-31. Review status: criteria provided, single submitter. Criteria: Invitae Variant Classification Sherloc (09022015). Collection method: clinical testing. Allele origin: germline. Not counted in ClinVar's aggregate classification.
Comment: This sequence change replaces valine, which is neutral and non-polar, with methionine, which is neutral and non-polar, at codon 544 of the GAA protein (p.Val544Met). This variant is present in population databases (rs567695610, gnomAD 0.03%). This variant has not been reported in the literature in individuals affected with GAA-related conditions. ClinVar contains an entry for this variant (Variation ID: 450358). Invitae Evidence Modeling of protein sequence and biophysical properties (such as structural, functional, and spatial information, amino acid conservation, physicochemical variation, residue mobility, and thermodynamic stability) indicates that this missense variant is not expected to disrupt GAA protein function with a negative predictive value of 95%. In summary, the available evidence is currently insufficient to determine the role of this variant in disease. Therefore, it has been classified as a Variant of Uncertain Significance.

Revvity Omics, Revvity
Classification: Uncertain significance. Last evaluated: 2024-12-04. Review status: criteria provided, single submitter. Criteria: ACMG Guidelines, 2015. Collection method: clinical testing. Allele origin: germline. Not counted in ClinVar's aggregate classification.

GeneDx
Classification: Uncertain significance. Last evaluated: 2024-05-06. Review status: criteria provided, single submitter. Criteria: GeneDx Variant Classification Process June 2021. Collection method: clinical testing. Allele origin: germline. Affected: yes. Not counted in ClinVar's aggregate classification.
Comment: In silico analysis indicates that this missense variant does not alter protein structure/function; Has not been previously published as pathogenic or benign to our knowledge; This variant is associated with the following publications: (PMID: 22253258, 19343043)

Fulgent Genetics
Classification: Uncertain significance for Glycogen storage disease, type II. Last evaluated: 2021-10-04. Review status: criteria provided, single submitter. Criteria: ACMG Guidelines, 2015. Collection method: clinical testing. Allele origin: unknown. Not counted in ClinVar's aggregate classification.

Genome-Nilou Lab
Classification: Uncertain significance for Glycogen storage disease, type II. Last evaluated: 2021-09-05. Review status: criteria provided, single submitter. Criteria: ACMG Guidelines, 2015. Collection method: clinical testing. Allele origin: germline. Affected: no. Not counted in ClinVar's aggregate classification.

Mayo Clinic Laboratories, Mayo Clinic
Classification: Uncertain significance. Last evaluated: 2020-12-21. Review status: criteria provided, single submitter. Criteria: ACMG Guidelines, 2015. Collection method: clinical testing. Allele origin: germline. Observed: 1 variant allele. Not counted in ClinVar's aggregate classification.

ARUP Laboratories, Molecular Genetics and Genomics, ARUP Laboratories
Classification: Uncertain significance for Glycogen storage disease, type II. Last evaluated: 2019-05-05. Review status: criteria provided, single submitter. Criteria: ARUP Molecular Germline Variant Investigation Process. Collection method: clinical testing. Allele origin: germline. Not counted in ClinVar's aggregate classification.
Comment: The GAA c.1629_1630delinsTA; p.Val544Met variant, to our knowledge, is not reported in the medical literature or gene-specific databases. This variant deletes two nucleotides and inserts two nucleotides, resulting in an in-frame amino acid substitution. Two individual single nucleotide variants (c.1629C>T and c.1630G>A) that together comprise the c.1629_1630delinsTA variant are each reported in ClinVar (Variation ID: 510672 and 450358). The c.1629_1630delinsTA variant is absent from general population databases (Exome Variant Server, Genome Aggregation Database), although c.1629C>T (24/250706 alleles) and c.1630G>A (18/282078 alleles) are both reported at low frequency in the general population. The valine at codon 544 is moderately conserved, but computational analyses (SIFT: damaging, PolyPhen-2: benign) predict conflicting effects of this variant on protein structure/function. However, other amino acid substitutions at adjacent residues (p.Tyr543Asp and p.Pro545Leu) are reported in individuals with glycogen storage disease type II and are considered disease-causing (Flanagan 2009, Sifi 2017), suggesting this region of the protein is functionally important. Still, given the lack of clinical and functional data, the significance of the p.Val544Met variant is uncertain at this time. References: Flanagan JJ et al. The pharmacological chaperone 1-deoxynojirimycin increases the activity and lysosomal trafficking of multiple mutant forms of acid alpha-glucosidase. Hum Mutat. 2009 Dec;30(12):1683-92. Sifi Y et al. Clinical Analysis of Algerian Patients with Pompe Disease. J Neurodegener Dis. 2017;2017:9427269.

Eurofins Ntd Llc (ga)
Classification: Uncertain significance. Last evaluated: 2018-07-20. Review status: criteria provided, single submitter. Criteria: EGL ClinVar v180209 classification definitions. Collection method: clinical testing. Allele origin: germline. Observed: 3 variant alleles, 3 heterozygotes. Not counted in ClinVar's aggregate classification.

Natera, Inc.
Classification: Uncertain significance for Glycogen storage disease type II. Last evaluated: 2020-09-16. Review status: no assertion criteria provided. Collection method: clinical testing. Allele origin: germline. Not counted in ClinVar's aggregate classification.

NM_000152.5(GAA):c.1630G>A (p.Val544Met)

Gene: GAA (alpha glucosidase; plus strand). Cytogenetic location: 17q25.3.
Variant type: single nucleotide variant.
Coding change: c.1630G>A on transcript NM_000152.5 (MANE Select); coding-DNA position 1630, G replaced by A.
Protein change: p.Val544Met; replaces valine 544 with methionine.
Molecular consequence: missense variant.
Genome position (GRCh38, 1-based): chr17:80,111,019, G>A. VCF-style: chr17-80111019-G-A. GRCh37 (hg19) VCF-style: chr17-78084818-G-A.
Other names: NM_000152.5(GAA):c.1630G>A; c.1630G>A (LRG_673t1, NM_001079803.2); c.1630G>A, p.Val544Met (NM_001079803.3, NM_001079804.3); short protein forms V544M.
Identifiers: ClinVar variation 450358 (VCV000450358.32), dbSNP rs567695610, ClinGen allele CA8815395.